The following is an entry in ClinVar:

NM_175859.3(CTPS2):c.943G>A (p.Ala315Thr)

Gene: CTPS2 (CTP synthase 2; minus strand). Cytogenetic location: Xp22.2.
Variant type: single nucleotide variant.
Coding change: c.943G>A on transcript NM_175859.3 (MANE Select); coding-DNA position 943, G replaced by A.
Protein change: p.Ala315Thr; replaces alanine 315 with threonine.
Molecular consequence: missense variant.
Genome position (GRCh38, 1-based): chrX:16,683,156, C>T on the plus strand (G>A on the coding strand, the complement: CTPS2 is on the minus strand). VCF-style: chrX-16683156-C-T. GRCh37 (hg19) VCF-style: chrX-16701279-C-T.
Other names: c.943G>A, p.Ala315Thr (NM_001144002.2, NM_019857.5); short protein forms A315T.
Identifiers: ClinVar variation 2208255 (VCV002208255.27), dbSNP rs148995160, ClinGen allele CA10357021.

ClinVar aggregate classification (germline): Conflicting classifications of pathogenicity. Review status: criteria provided, conflicting classifications (1 of 4 stars). 2 submissions from 2 submitters: Uncertain significance (1); Likely benign (1). Last evaluated 2024-04-17.

Allele frequency attached by ClinVar (database versions not stated): ESP Exome Variant Server 0.00047; ExAC 0.00052; gnomAD exomes 0.00081.
gnomAD v4.1: 933 of 1,208,645 alleles (0.077%); highest among the groups gnomAD compares: Non-Finnish European, 0.099%; no homozygotes.

Submissions (2):

Ambry Genetics
Classification: Uncertain significance. Last evaluated: 2024-04-17. Review status: criteria provided, single submitter. Criteria: Ambry Variant Classification Scheme 2023. Collection method: clinical testing. Allele origin: germline.

CeGaT Center for Human Genetics Tuebingen
Classification: Likely benign. Last evaluated: 2022-12-01. Review status: criteria provided, single submitter. Criteria: CeGaT Center For Human Genetics Tuebingen Variant Classification Criteria Version 2. Collection method: clinical testing. Allele origin: germline. Affected: yes. Observed: 1 variant allele.
Comment: CTPS2: BS2